The following is an entry in ClinVar:

NM_172364.5(CACNA2D4):c.2922-9_2922-8del

Gene: CACNA2D4 (calcium voltage-gated channel auxiliary subunit alpha2delta 4; minus strand). Cytogenetic location: 12p13.33.
Variant type: Microsatellite.
Coding change: c.2922-9_2922-8del on transcript NM_172364.5 (MANE Select); 9 bases into the intron before coding-DNA position 2922 through 8 bases into the intron before coding-DNA position 2922, 2 bases deleted (GT; older notation c.2922-9_2922-8delGT).
Molecular consequence: intron variant.
Genome position (GRCh38, 1-based): chr12:1,800,060-1,800,061, AC deleted on the plus strand (GT on the coding strand, the reverse complement: CACNA2D4 is on the minus strand); deleting any 2 consecutive bases within chr12:1,800,060-1,800,064 gives the same sequence; the c. name uses the placement nearest the transcript's 3' end. VCF-style (leftmost placement, unchanged base first): chr12-1800059-GAC-G. GRCh37 (hg19) VCF-style: chr12-1909225-GAC-G.
Identifiers: ClinVar variation 1371655 (VCV001371655.1), dbSNP rs2154445240, ClinGen allele CA2580615110.

ClinVar aggregate classification (germline): Uncertain significance (1 of 4 stars; one submission).

Submission:

Labcorp Genetics (formerly Invitae), Labcorp
Classification: Uncertain significance. Last evaluated: 2021-08-02. Review status: criteria provided, single submitter. Criteria: Invitae Variant Classification Sherloc (09022015). Collection method: clinical testing. Allele origin: germline.
Comment: This sequence change falls in intron 32 of the CACNA2D4 gene. It does not directly change the encoded amino acid sequence of the CACNA2D4 protein. This variant is not present in population databases (ExAC no frequency). This variant has not been reported in the literature in individuals affected with CACNA2D4-related conditions. Algorithms developed to predict the effect of sequence changes on RNA splicing suggest that this variant may disrupt the consensus splice site. In summary, the available evidence is currently insufficient to determine the role of this variant in disease. Therefore, it has been classified as a Variant of Uncertain Significance.